The following is an entry in ClinVar:

NM_000081.4(LYST):c.5460+1G>A

Gene: LYST (lysosomal trafficking regulator; minus strand). Cytogenetic location: 1q42.3.
Variant type: single nucleotide variant.
Coding change: c.5460+1G>A on transcript NM_000081.4 (MANE Select); the canonical splice donor site of the intron after coding-DNA position 5460, G replaced by A.
Molecular consequence: splice donor variant.
Genome position (GRCh38, 1-based): chr1:235,777,062, C>T on the plus strand (G>A on the coding strand, the complement: LYST is on the minus strand). VCF-style: chr1-235777062-C-T. GRCh37 (hg19) VCF-style: chr1-235940362-C-T.
Other names: c.5460+1G>A (NM_001301365.1).
Identifiers: ClinVar variation 4712373 (VCV004712373.1).

ClinVar aggregate classification (germline): Likely pathogenic (1 of 4 stars; one submission).

Conditions:
Chédiak-Higashi syndrome (CHS). Also called: Chediak-Higashi Syndrome. Identifiers: Orphanet 167, MedGen C0007965, MONDO:0008963, OMIM 214500.

Submission:

Labcorp Genetics (formerly Invitae), Labcorp
Classification: Likely pathogenic for Chédiak-Higashi syndrome. Last evaluated: 2025-02-10. Review status: criteria provided, single submitter. Criteria: Invitae Variant Classification Sherloc (09022015). Collection method: clinical testing. Allele origin: germline.
Comment: This sequence change affects a donor splice site in intron 17 of the LYST gene. It is expected to disrupt RNA splicing. Variants that disrupt the donor or acceptor splice site typically lead to a loss of protein function (PMID: 16199547), and loss-of-function variants in LYST are known to be pathogenic (PMID: 9215679, 11857544). This variant is not present in population databases (gnomAD no frequency). This variant has not been reported in the literature in individuals affected with LYST-related conditions. Algorithms developed to predict the effect of sequence changes on RNA splicing suggest that this variant may disrupt the consensus splice site. In summary, the currently available evidence indicates that the variant is pathogenic, but additional data are needed to prove that conclusively. Therefore, this variant has been classified as Likely Pathogenic.

Literature cited by the submitters: PubMed 16199547; PubMed 9215679; PubMed 11857544.